The following is an entry in ClinVar:

NM_015073.3(SIPA1L3):c.2316C>T (p.Asp772=)

Gene: SIPA1L3 (signal induced proliferation associated 1 like 3; plus strand). Cytogenetic location: 19q13.13.
Variant type: single nucleotide variant.
Coding change: c.2316C>T on transcript NM_015073.3 (MANE Select); coding-DNA position 2316, C replaced by T.
Protein change: p.Asp772=; no amino-acid change (aspartic acid 772 retained).
Molecular consequence: synonymous variant.
Genome position (GRCh38, 1-based): chr19:38,119,330, C>T. VCF-style: chr19-38119330-C-T. GRCh37 (hg19) VCF-style: chr19-38609970-C-T.
Identifiers: ClinVar variation 717669 (VCV000717669.25), dbSNP rs142597261, ClinGen allele CA9409670.

ClinVar aggregate classification (germline): Benign/Likely benign. Review status: criteria provided, multiple submitters, no conflicts (2 of 4 stars). 4 submissions from 4 submitters: Benign (1); Likely benign (2). 1 of the submissions does not count toward it. Last evaluated 2025-09-14.

Conditions:
SIPA1L3-related disorder. Also called: SIPA1L3-related condition.

Allele frequency attached by ClinVar (database versions not stated): TOPMed 0.00082; ExAC 0.00087; gnomAD 0.00088 and 0.00090; gnomAD exomes 0.00088 and 0.00116; ESP Exome Variant Server 0.00108.
gnomAD v4.1: 1,822 of 1,613,888 alleles (0.11%); highest among the groups gnomAD compares: Middle Eastern, 0.17%; 2 homozygotes.

Submissions (4):

Labcorp Genetics (formerly Invitae), Labcorp
Classification: Benign. Last evaluated: 2025-09-14. Review status: criteria provided, single submitter. Criteria: Invitae Variant Classification Sherloc (09022015). Collection method: clinical testing. Allele origin: germline.

Blueprint Genetics
Classification: Likely benign. Last evaluated: 2024-11-14. Review status: criteria provided, single submitter. Criteria: ACMG Guidelines, 2015. Collection method: clinical testing. Allele origin: germline.

CeGaT Center for Human Genetics Tuebingen
Classification: Likely benign. Last evaluated: 2024-10-01. Review status: criteria provided, single submitter. Criteria: CeGaT Center For Human Genetics Tuebingen Variant Classification Criteria Version 2. Collection method: clinical testing. Allele origin: germline. Affected: yes. Observed: 1 variant allele.
Comment: SIPA1L3: BP4, BP7

PreventionGenetics, part of Exact Sciences
Classification: Likely benign for SIPA1L3-related condition. Last evaluated: 2019-02-22. Review status: no assertion criteria provided. Collection method: clinical testing. Allele origin: germline. Not counted in ClinVar's aggregate classification.
Comment: This variant is classified as likely benign based on ACMG/AMP sequence variant interpretation guidelines (Richards et al. 2015 PMID: 25741868, with internal and published modifications).